The following is an entry in ClinVar:

NM_007192.4(SUPT16H):c.1684G>A (p.Glu562Lys)

Gene: SUPT16H (SPT16 homolog, facilitates chromatin remodeling subunit; minus strand). Cytogenetic location: 14q11.2.
Variant type: single nucleotide variant.
Coding change: c.1684G>A on transcript NM_007192.4 (MANE Select); coding-DNA position 1684, G replaced by A.
Protein change: p.Glu562Lys; replaces glutamic acid 562 with lysine.
Molecular consequence: missense variant.
Genome position (GRCh38, 1-based): chr14:21,362,306, C>T on the plus strand (G>A on the coding strand, the complement: SUPT16H is on the minus strand). VCF-style: chr14-21362306-C-T. GRCh37 (hg19) VCF-style: chr14-21830465-C-T.
Other names: short protein forms E562K.
Identifiers: ClinVar variation 3900127 (VCV003900127.1).
Genomic context (GRCh38, chr14:21,362,306, plus strand): 5'-TCCTGCCCAGAGCACTGCCTGGGCAATAAAAGTTGATTCGCAAGTAAGTATAATCTCCTT[C>T]CACGGACATACTTATATTCTGTTCAAAGGAAAAGCATAAAAAGTAAACAGATTTCTTTCC-3'
Protein context (NP_009123.1, residues 552-572): ATIKNISMSV[Glu562Lys]GDYTYLRINF

ClinVar aggregate classification (germline): Uncertain significance (1 of 4 stars; one submission).

Submission:

GeneDx
Classification: Uncertain significance. Last evaluated: 2024-11-25. Review status: criteria provided, single submitter. Criteria: GeneDx Variant Classification Process June 2021. Collection method: clinical testing. Allele origin: germline. Affected: yes.
Comment: Not observed at significant frequency in large population cohorts (gnomAD); In silico analysis supports that this missense variant has a deleterious effect on protein structure/function; Has not been previously published as pathogenic or benign to our knowledge